The following is an entry in ClinVar:

ClinVar aggregate classification (germline): Likely benign. Review status: criteria provided, multiple submitters, no conflicts (2 of 4 stars). 3 submissions from 3 submitters: Likely benign (3). Last evaluated 2026-09-09.

Conditions:
TRIOBP-related disorder. Also called: TRIOBP-related condition.

Allele frequency attached by ClinVar (database versions not stated): ExAC 0.00027.
gnomAD v4.1: 82 of 1,479,238 alleles (0.0055%); highest among the groups gnomAD compares: Admixed American, 0.031%; no homozygotes.

Submissions (3):

PreventionGenetics, part of Exact Sciences
Classification: Likely benign for TRIOBP-related condition. Last evaluated: 2026-09-09. Review status: criteria provided, single submitter. Criteria: ACMG Guidelines, 2015. Collection method: clinical testing. Allele origin: germline.
Comment: This variant is classified as likely benign based on ACMG/AMP sequence variant interpretation guidelines (Richards et al. 2015 PMID: 25741868, with internal and published modifications).

Labcorp Genetics (formerly Invitae), Labcorp
Classification: Likely benign. Last evaluated: 2025-08-07. Review status: criteria provided, single submitter. Criteria: Invitae Variant Classification Sherloc (09022015). Collection method: clinical testing. Allele origin: germline.

Blueprint Genetics
Classification: Likely benign. Last evaluated: 2024-09-24. Review status: criteria provided, single submitter. Criteria: ACMG Guidelines, 2015. Collection method: clinical testing. Allele origin: germline.

NM_001039141.3(TRIOBP):c.3947+8C>T

Gene: TRIOBP (TRIO and F-actin binding protein; plus strand). Cytogenetic location: 22q13.1.
Variant type: single nucleotide variant.
Coding change: c.3947+8C>T on transcript NM_001039141.3 (MANE Select); 8 bases into the intron after coding-DNA position 3947, C replaced by T.
Molecular consequence: intron variant.
Genome position (GRCh38, 1-based): chr22:37,726,511, C>T. VCF-style: chr22-37726511-C-T. GRCh37 (hg19) VCF-style: chr22-38122518-C-T.
Other names: c.3947+8C>T (NM_001039141.2).
Identifiers: ClinVar variation 2421356 (VCV002421356.8), dbSNP rs770604136, ClinGen allele CA10224266.
Genomic context (GRCh38, chr22:37,726,511, plus strand): 5'-ACCCACAGCCCTGGCCGTGCAGAGGTGGAGCGCCTCTTCGGGCAAGAGCGCAGGTGAGCC[C>T]GGGGGTGGGGTCAGCCAGGTGGGCTGGGGAGGAGGCTCGGCAGCAGGACAGGTGAAGGGT-3'